The following is an entry in ClinVar:

ClinVar aggregate classification (germline): Likely benign. Review status: criteria provided, multiple submitters, no conflicts (2 of 4 stars). 5 submissions from 5 submitters: Likely benign (5). Last evaluated 2026-01-26.

Conditions:
Microcephaly-intellectual disability-sensorineural hearing loss-epilepsy-abnormal muscle tone syndrome (NEDHSB). Also called: NEURODEVELOPMENTAL DISORDER WITH HEARING LOSS, SEIZURES, AND BRAIN ABNORMALITIES. Identifiers: Orphanet 457351, MedGen C4225276, MONDO:0014698, OMIM 616577.

Allele frequency attached by ClinVar (database versions not stated): ExAC 0.00003; gnomAD exomes 0.00004; gnomAD 0.00039 and 0.00045; TOPMed 0.00041; ESP Exome Variant Server 0.00046.
gnomAD v4.1: 105 of 1,613,984 alleles (0.0065%); highest among the groups gnomAD compares: African/African-American, 0.13%; 1 homozygote.

Submissions (5):

Labcorp Genetics (formerly Invitae), Labcorp
Classification: Likely benign for Microcephaly-intellectual disability-sensorineural hearing loss-epilepsy-abnormal muscle tone syndrome. Last evaluated: 2026-01-26. Review status: criteria provided, single submitter. Criteria: Invitae Variant Classification Sherloc (09022015). Collection method: clinical testing. Allele origin: germline.

Women's Health and Genetics/Laboratory Corporation of America, LabCorp
Classification: Likely benign. Last evaluated: 2025-11-11. Review status: criteria provided, single submitter. Criteria: LabCorp Variant Classification Summary - May 2015. Collection method: clinical testing. Allele origin: germline.
Comment: Variant summary: AFG2A c.1737C>T results in a synonymous change. Consensus agreement among computation tools predict no significant impact on normal splicing. However, these predictions have yet to be confirmed by functional studies. The variant allele was found at a frequency of 8.1e-05 in 282642 control chromosomes. This frequency is not significantly higher than estimated for disease-causing variants in AFG2A, allowing no conclusion about variant significance. To our knowledge, no occurrence of c.1737C>T in individuals affected with AFG2A-related conditions and no experimental evidence demonstrating its impact on protein function have been reported. ClinVar contains an entry for this variant (Variation ID: 772692). Based on the evidence outlined above, the variant was classified as likely benign.

CeGaT Center for Human Genetics Tuebingen
Classification: Likely benign. Last evaluated: 2025-11-01. Review status: criteria provided, single submitter. Criteria: CeGaT Center For Human Genetics Tuebingen Variant Classification Criteria Version 2. Collection method: clinical testing. Allele origin: germline. Affected: yes. Observed: 1 variant allele.
Comment: AFG2A: BP4, BP7

Blueprint Genetics
Classification: Likely benign. Last evaluated: 2024-06-26. Review status: criteria provided, single submitter. Criteria: ACMG Guidelines, 2015. Collection method: clinical testing. Allele origin: germline.

GeneDx
Classification: Likely benign. Last evaluated: 2020-12-23. Review status: criteria provided, single submitter. Criteria: GeneDx Variant Classification Process June 2021. Collection method: clinical testing. Allele origin: germline. Affected: yes.

NM_145207.3(AFG2A):c.1737C>T (p.Ile579=)

Gene: AFG2A (AAA ATPase AFG2A; plus strand). Cytogenetic location: 4q28.1.
Variant type: single nucleotide variant.
Coding change: c.1737C>T on transcript NM_145207.3 (MANE Select); coding-DNA position 1737, C replaced by T.
Protein change: p.Ile579=; no amino-acid change (isoleucine 579 retained).
Molecular consequence: synonymous variant.
Genome position (GRCh38, 1-based): chr4:122,979,254, C>T. VCF-style: chr4-122979254-C-T. GRCh37 (hg19) VCF-style: chr4-123900409-C-T.
Other names: c.1734C>T, p.Ile578= (NM_001317799.2, NM_001345856.2).
Identifiers: ClinVar variation 772692 (VCV000772692.19), dbSNP rs145527745, ClinGen allele CA3070537.